The following is an entry in ClinVar:

ClinVar aggregate classification (germline): Uncertain significance (1 of 4 stars; one submission).

Conditions:
Facioscapulohumeral muscular dystrophy 2 (FSHD2). Also called: MUSCULAR DYSTROPHY, FACIOSCAPULOHUMERAL, TYPE 1B; FACIOSCAPULOHUMERAL MUSCULAR DYSTROPHY 2, DIGENIC; FSHD2, DIGENIC. Identifiers: Orphanet 269, MedGen C1834671, MONDO:0008031, OMIM 158901.

Submission:

Labcorp Genetics (formerly Invitae), Labcorp
Classification: Uncertain significance for Facioscapulohumeral muscular dystrophy 2. Last evaluated: 2023-09-17. Review status: criteria provided, single submitter. Criteria: Invitae Variant Classification Sherloc (09022015). Collection method: clinical testing. Allele origin: germline.
Comment: This variant, c.1483_1485del, results in the deletion of 1 amino acid(s) of the SMCHD1 protein (p.Pro495del), but otherwise preserves the integrity of the reading frame. This variant is not present in population databases (gnomAD no frequency). This variant has not been reported in the literature in individuals affected with SMCHD1-related conditions. Experimental studies and prediction algorithms are not available or were not evaluated, and the functional significance of this variant is currently unknown. In summary, the available evidence is currently insufficient to determine the role of this variant in disease. Therefore, it has been classified as a Variant of Uncertain Significance.

NM_015295.3(SMCHD1):c.1480CCT[1] (p.Pro495del)

Gene: SMCHD1 (structural maintenance of chromosomes flexible hinge domain containing 1; plus strand). Cytogenetic location: 18p11.32.
Variant type: Microsatellite.
Coding change: c.1480CCT[1] on transcript NM_015295.3 (MANE Select); one copy of the 3-base unit CCT starting at c.1480; the reference has two copies in a row; one copy, 3 bases deleted.
Protein change: p.Pro495del; deletes proline 495.
Molecular consequence: inframe deletion.
Genome position (GRCh38, 1-based): chr18:2,700,754-2,700,756, CCT deleted; deleting any 3 consecutive bases within chr18:2,700,749-2,700,756 gives the same sequence; the position shown is the placement nearest the transcript's 3' end. VCF-style (leftmost placement, unchanged base first): chr18-2700748-ACTC-A. GRCh37 (hg19) VCF-style: chr18-2700746-ACTC-A.
Other names: short protein forms P495del.
Identifiers: ClinVar variation 2873902 (VCV002873902.3), dbSNP rs2510027680, ClinGen allele CA2640810894.
Genomic context (GRCh38, chr18:2,700,748, plus strand): 5'-TTTTACAACTTAATTCTTTTACTAACTAACATTTTGTTCTGTTCAAGCTTTGACTGGTGT[ACTC>A]CTCCTAAGAAGAGAGGGCTTGCACCAATTGAATGCTACAATAGGATATCTGGTGCATTAT-3'